The following is an entry in ClinVar:

NM_016138.5(COQ7):c.121_122del (p.Leu41fs)

Gene: COQ7 (coenzyme Q7, hydroxylase; plus strand). Cytogenetic location: 16p12.3.
Variant type: Deletion.
Coding change: c.121_122del on transcript NM_016138.5 (MANE Select); coding-DNA positions 121 to 122, 2 bases deleted (TT; older notation c.121_122delTT).
Protein change: p.Leu41fs; shifts the reading frame from leucine 41.
Molecular consequence: frameshift variant. On other transcripts: non-coding transcript variant (3).
Genome position (GRCh38, 1-based): chr16:19,071,975-19,071,976, TT deleted; deleting any 2 consecutive bases within chr16:19,071,974-19,071,976 gives the same sequence; the c. name uses the placement nearest the transcript's 3' end. VCF-style (leftmost placement, unchanged base first): chr16-19071973-CTT-C. GRCh37 (hg19) VCF-style: chr16-19083295-CTT-C.
Other names: c.7_8del, p.Leu3fs (NM_001190983.2, NM_001370492.1, NM_001370493.1 and 2 more transcripts); c.79_80del, p.Leu27fs (NM_001370489.1, NM_001370491.1); c.121_122del, p.Leu41fs (NM_001370490.1); short protein forms L27fs, L3fs, L41fs.
Identifiers: ClinVar variation 2096701 (VCV002096701.4), dbSNP rs2509337337, ClinGen allele CA2580090820.

ClinVar aggregate classification (germline): Uncertain significance (1 of 4 stars; one submission).

Submission:

Labcorp Genetics (formerly Invitae), Labcorp
Classification: Uncertain significance. Last evaluated: 2022-02-11. Review status: criteria provided, single submitter. Criteria: Invitae Variant Classification Sherloc (09022015). Collection method: clinical testing. Allele origin: germline.
Comment: In summary, the available evidence is currently insufficient to determine the role of this variant in disease. Therefore, it has been classified as a Variant of Uncertain Significance. This variant has not been reported in the literature in individuals affected with COQ7-related conditions. This variant is not present in population databases (gnomAD no frequency). This sequence change creates a premature translational stop signal (p.Leu41Argfs*58) in the COQ7 gene. It is expected to result in an absent or disrupted protein product. However, the current clinical and genetic evidence is not sufficient to establish whether loss-of-function variants in COQ7 cause disease.